The following is an entry in ClinVar:

NM_018451.5(CPAP):c.3215C>T (p.Ala1072Val)

Gene: CPAP (centrosome assembly and centriole elongation protein; minus strand). Cytogenetic location: 13q12.12.
Variant type: single nucleotide variant.
Coding change: c.3215C>T on transcript NM_018451.5 (MANE Select); coding-DNA position 3215, C replaced by T.
Protein change: p.Ala1072Val; replaces alanine 1072 with valine.
Molecular consequence: missense variant. On other transcripts: non-coding transcript variant (2).
Genome position (GRCh38, 1-based): chr13:24,892,644, G>A on the plus strand (C>T on the coding strand, the complement: CPAP is on the minus strand). VCF-style: chr13-24892644-G-A. GRCh37 (hg19) VCF-style: chr13-25466782-G-A.
Other names: short protein forms A1072V.
Identifiers: ClinVar variation 422615 (VCV000422615.2), dbSNP rs769000518, ClinGen allele CA6919387.

ClinVar aggregate classification (germline): Uncertain significance (1 of 4 stars; one submission).

Allele frequency attached by ClinVar (database versions not stated): TOPMed 0.00001; gnomAD 0.00004 and 0.00005; ExAC 0.00001; gnomAD exomes 0.00001.
gnomAD v4.1: 22 of 1,612,154 alleles (0.0014%); highest among the groups gnomAD compares: African/African-American, 0.004%; no homozygotes.

Submission:

GeneDx
Classification: Uncertain significance. Last evaluated: 2016-11-02. Review status: criteria provided, single submitter. Criteria: GeneDx Variant Classification (06012015). Collection method: clinical testing. Allele origin: germline. Affected: yes.
Comment: The A1072V variant in the CENPJ gene has not been reported previously as a pathogenic variant, nor as a benign variant, to our knowledge. The A1072V variant was not observed in approximately 6500 individuals of European and African American ancestry in the NHLBI Exome Sequencing Project, indicating it is not a common benign variant in these populations. The A1072V variant is a conservative amino acid substitution, which occurs at a position that is not conserved. In silico analysis predicts this variant likely does not alter the protein structure/function. As an alternate mechanism, multiple in silico algorithms predict that c.3215 C>T (aka p.A1072V) might destroy the natural splice donor site for exon 10. However, in the absence of RNA/functional studies, the actual effect of c.3215 C>T is unknown. We interpret A1072V as a variant of uncertain significance.